The following is an entry in ClinVar:

ClinVar aggregate classification (germline): Uncertain significance (1 of 4 stars; one submission).

gnomAD v4.1: 4 of 1,614,160 alleles (0.00025%); highest among the groups gnomAD compares: Non-Finnish European, 0.00034%; no homozygotes.

Submission:

GeneDx
Classification: Uncertain significance. Last evaluated: 2025-04-08. Review status: criteria provided, single submitter. Criteria: GeneDx Variant Classification Process June 2021. Collection method: clinical testing. Allele origin: germline. Affected: yes.
Comment: Not observed at significant frequency in large population cohorts (gnomAD); In silico analysis supports that this missense variant has a deleterious effect on protein structure/function; Has not been previously published as pathogenic or benign to our knowledge

NM_003900.5(SQSTM1):c.1231G>C (p.Gly411Arg)

Gene: SQSTM1 (sequestosome 1; plus strand). Cytogenetic location: 5q35.3.
Variant type: single nucleotide variant.
Coding change: c.1231G>C on transcript NM_003900.5 (MANE Select); coding-DNA position 1231, G replaced by C.
Protein change: p.Gly411Arg; replaces glycine 411 with arginine.
Molecular consequence: missense variant.
Genome position (GRCh38, 1-based): chr5:179,836,501, G>C. VCF-style: chr5-179836501-G-C. GRCh37 (hg19) VCF-style: chr5-179263501-G-C.
Other names: c.979G>C, p.Gly327Arg (NM_001142298.2, NM_001142299.2); short protein forms G327R, G411R.
Identifiers: ClinVar variation 4282004 (VCV004282004.1).